The following is an entry in ClinVar:

NM_001458.5(FLNC):c.7076T>C (p.Ile2359Thr)

Genes: FLNC (filamin C; plus strand), FLNC-AS1 (FLNC antisense RNA 1; minus strand). Cytogenetic location: 7q32.1.
Variant type: single nucleotide variant.
Coding change: c.7076T>C on transcript NM_001458.5 (MANE Select); coding-DNA position 7076, T replaced by C.
Protein change: p.Ile2359Thr; replaces isoleucine 2359 with threonine.
Molecular consequence: missense variant.
Genome position (GRCh38, 1-based): chr7:128,854,853, T>C. VCF-style: chr7-128854853-T-C. GRCh37 (hg19) VCF-style: chr7-128494907-T-C.
Other names: c.6977T>C, p.Ile2326Thr (NM_001127487.2); short protein forms I2326T, I2359T.
Identifiers: ClinVar variation 1707211 (VCV001707211.3), dbSNP rs765202642, ClinGen allele CA369215180.

ClinVar aggregate classification (germline): Uncertain significance. Review status: criteria provided, multiple submitters, no conflicts (2 of 4 stars). 2 submissions from 2 submitters: Uncertain significance (2). Last evaluated 2025-10-24.

Conditions:
Cardiovascular phenotype. Identifiers: MedGen CN230736.

Submissions (2):

Ambry Genetics
Classification: Uncertain significance for Cardiovascular phenotype. Last evaluated: 2025-10-24. Review status: criteria provided, single submitter. Criteria: Ambry Variant Classification Scheme 2023. Collection method: clinical testing. Allele origin: germline.
Comment: The p.I2359T variant (also known as c.7076T>C), located in coding exon 42 of the FLNC gene, results from a T to C substitution at nucleotide position 7076. The isoleucine at codon 2359 is replaced by threonine, an amino acid with similar properties. This variant was reported in individual(s) with features consistent with hypertrophic cardiomyopathy (Ader F et al. Med Sci (Paris), 2018 Nov;34 Hors s&eacute;rie n&deg;2:39-41; Ambry internal data). This amino acid position is highly conserved in available vertebrate species. In addition, this alteration is predicted to be deleterious by in silico analysis. Based on the available evidence, the clinical significance of this variant remains unclear.

GeneDx
Classification: Uncertain significance. Last evaluated: 2022-03-23. Review status: criteria provided, single submitter. Criteria: GeneDx Variant Classification Process June 2021. Collection method: clinical testing. Allele origin: germline. Affected: yes.
Comment: Reported in association with cardiomyopathy, however, patient-specific clinical details were not provided (Ader et al., 2018); Not observed at significant frequency in large population cohorts (gnomAD); In silico analysis supports that this missense variant has a deleterious effect on protein structure/function; This variant is associated with the following publications: (PMID: 30418145)

Literature cited by the submitters: PubMed 30418145 (cited by Ambry Genetics).